The following is an entry in ClinVar:

ClinVar aggregate classification (germline): Uncertain significance (1 of 4 stars; one submission).

Conditions:
Ehlers-Danlos syndrome, musculocontractural type (EDSMC). Also called: Adducted thumb, clubfoot, progressive joint and skin laxity syndrome; ARTHROGRYPOSIS, DISTAL, WITH PECULIAR FACIES AND HYDRONEPHROSIS; DUNDAR SYNDROME; ADDUCTED THUMB-CLUBFOOT SYNDROME. Identifiers: Orphanet 2953, MedGen C1866294, MONDO:0011142.

Submission:

Labcorp Genetics (formerly Invitae), Labcorp
Classification: Uncertain significance for Ehlers-Danlos syndrome, musculocontractural type. Last evaluated: 2024-03-16. Review status: criteria provided, single submitter. Criteria: Invitae Variant Classification Sherloc (09022015). Collection method: clinical testing. Allele origin: germline.
Comment: This sequence change replaces tyrosine, which is neutral and polar, with asparagine, which is neutral and polar, at codon 237 of the CHST14 protein (p.Tyr237Asn). This variant is not present in population databases (gnomAD no frequency). This variant has not been reported in the literature in individuals affected with CHST14-related conditions. Advanced modeling of protein sequence and biophysical properties (such as structural, functional, and spatial information, amino acid conservation, physicochemical variation, residue mobility, and thermodynamic stability) performed at Invitae indicates that this missense variant is expected to disrupt CHST14 protein function with a positive predictive value of 80%. In summary, the available evidence is currently insufficient to determine the role of this variant in disease. Therefore, it has been classified as a Variant of Uncertain Significance.

NM_130468.4(CHST14):c.709T>A (p.Tyr237Asn)

Gene: CHST14 (carbohydrate sulfotransferase 14; plus strand). Cytogenetic location: 15q15.1.
Variant type: single nucleotide variant.
Coding change: c.709T>A on transcript NM_130468.4 (MANE Select); coding-DNA position 709, T replaced by A.
Protein change: p.Tyr237Asn; replaces tyrosine 237 with asparagine.
Molecular consequence: missense variant.
Genome position (GRCh38, 1-based): chr15:40,471,922, T>A. VCF-style: chr15-40471922-T-A. GRCh37 (hg19) VCF-style: chr15-40764121-T-A.
Other names: short protein forms Y237N.
Identifiers: ClinVar variation 3646401 (VCV003646401.2).
Genomic context (GRCh38, chr15:40,471,922, plus strand): 5'-GAACGCCTCCTCTCTGCCTACCGCAACAAGTTTGGCGAGATCCGAGAGTACCAGCAACGC[T>A]ATGGGGCTGAGATAGTGAGGCGGTACAGGGCTGGAGCGGGGCCCAGCCCTGCAGGCGACG-3'
Protein context (NP_569735.1, residues 227-247): FGEIREYQQR[Tyr237Asn]GAEIVRRYRA